The following is an entry in ClinVar:

ClinVar aggregate classification (germline): Likely benign (1 of 4 stars; one submission).

Submission:

CeGaT Center for Human Genetics Tuebingen
Classification: Likely benign. Last evaluated: 2023-04-01. Review status: criteria provided, single submitter. Criteria: CeGaT Center For Human Genetics Tuebingen Variant Classification Criteria Version 2. Collection method: clinical testing. Allele origin: germline. Affected: yes. Observed: 1 variant allele.
Comment: TCF4: PM2:Supporting, BP4, BP7

NM_001083962.2(TCF4):c.1056T>A (p.Pro352=)

Gene: TCF4 (transcription factor 4; minus strand). Cytogenetic location: 18q21.2.
Variant type: single nucleotide variant.
Coding change: c.1056T>A on transcript NM_001083962.2 (MANE Select); coding-DNA position 1056, T replaced by A.
Protein change: p.Pro352=; no amino-acid change (proline 352 retained).
Molecular consequence: synonymous variant.
Genome position (GRCh38, 1-based): chr18:55,259,962, A>T on the plus strand (T>A on the coding strand, the complement: TCF4 is on the minus strand). VCF-style: chr18-55259962-A-T. GRCh37 (hg19) VCF-style: chr18-52927193-A-T.
Other names: c.576T>A, p.Pro192= (NM_001243236.2, NM_001348214.2, NM_001348216.2 and 2 more transcripts); c.984T>A, p.Pro328= (NM_001306207.1, NM_001348217.1, NM_001348218.2 and 9 more transcripts); c.843T>A, p.Pro281= (NM_001306208.1, NM_001243232.1); c.1056T>A, p.Pro352= (NM_001330604.3, NM_001369567.1, NM_001369568.1 and 4 more transcripts); c.666T>A, p.Pro222= (NM_001330605.3, NM_001348212.2, NM_001348213.2 and 1 more transcripts); c.930T>A, p.Pro310= (NM_001348211.2, NM_001243231.2); c.408T>A, p.Pro136= (NM_001348215.2); c.981T>A, p.Pro327= (NM_001348220.1, NM_001369576.1, NM_001369578.1 and 3 more transcripts); and 4 more.
Identifiers: ClinVar variation 2648735 (VCV002648735.24), dbSNP rs1346152097, ClinGen allele CA504007630.
Genomic context (GRCh38, chr18:55,259,962, plus strand): 5'-ATTCTTATAAACTGTTATATGATGAAATGGGATTTGAAATACACTACCTGAGAGAGATGG[A>T]GGAGAGCCAACAGGAGTTGAAGGGTTTGATGAAAAGCTGTTGTTAGTGTGATCTGGAGAA-3'
Protein context (NP_001077431.1, residues 342-362): SSNPSTPVGS[Pro352=]PSLSAGTAVW